The following is an entry in ClinVar:

NM_000836.4(GRIN2D):c.3974G>A (p.Gly1325Asp)

Gene: GRIN2D (glutamate ionotropic receptor NMDA type subunit 2D; plus strand). Cytogenetic location: 19q13.33.
Variant type: single nucleotide variant.
Coding change: c.3974G>A on transcript NM_000836.4 (MANE Select); coding-DNA position 3974, G replaced by A.
Protein change: p.Gly1325Asp; replaces glycine 1325 with aspartic acid.
Molecular consequence: missense variant.
Genome position (GRCh38, 1-based): chr19:48,443,900, G>A. VCF-style: chr19-48443900-G-A. GRCh37 (hg19) VCF-style: chr19-48947157-G-A.
Other names: c.3974G>A (NM_000836.2); short protein forms G1325D.
Identifiers: ClinVar variation 1479385 (VCV001479385.7), dbSNP rs1971345151, ClinGen allele CA406679270.

ClinVar aggregate classification (germline): Uncertain significance. Review status: criteria provided, multiple submitters, no conflicts (2 of 4 stars). 2 submissions from 2 submitters: Uncertain significance (2). Last evaluated 2025-03-31.

Allele frequency attached by ClinVar (database versions not stated): gnomAD 0.00001; TOPMed 0.00002.
gnomAD v4.1: 7 of 1,460,748 alleles (0.00048%); highest among the groups gnomAD compares: African/African-American, 0.01%; no homozygotes.

Submissions (2):

Labcorp Genetics (formerly Invitae), Labcorp
Classification: Uncertain significance. Last evaluated: 2025-03-31. Review status: criteria provided, single submitter. Criteria: Invitae Variant Classification Sherloc (09022015). Collection method: clinical testing. Allele origin: germline.
Comment: This sequence change replaces glycine, which is neutral and non-polar, with aspartic acid, which is acidic and polar, at codon 1325 of the GRIN2D protein (p.Gly1325Asp). This variant is not present in population databases (gnomAD no frequency). This variant has not been reported in the literature in individuals affected with GRIN2D-related conditions. ClinVar contains an entry for this variant (Variation ID: 1479385). Invitae Evidence Modeling of protein sequence and biophysical properties (such as structural, functional, and spatial information, amino acid conservation, physicochemical variation, residue mobility, and thermodynamic stability) indicates that this missense variant is not expected to disrupt GRIN2D protein function with a negative predictive value of 95%. In summary, the available evidence is currently insufficient to determine the role of this variant in disease. Therefore, it has been classified as a Variant of Uncertain Significance.

GeneDx
Classification: Uncertain significance. Last evaluated: 2024-01-19. Review status: criteria provided, single submitter. Criteria: GeneDx Variant Classification Process June 2021. Collection method: clinical testing. Allele origin: germline. Affected: yes.
Comment: Not observed at significant frequency in large population cohorts (gnomAD); In silico analysis supports that this missense variant does not alter protein structure/function; Has not been previously published as pathogenic or benign to our knowledge